The following is an entry in ClinVar:

ClinVar aggregate classification (germline): Uncertain significance (1 of 4 stars; one submission).

Allele frequency attached by ClinVar (database versions not stated): TOPMed 0.00002.
gnomAD v4.1: 36 of 1,613,542 alleles (0.0022%); highest among the groups gnomAD compares: East Asian, 0.033%; no homozygotes.

Submission:

Labcorp Genetics (formerly Invitae), Labcorp
Classification: Uncertain significance. Last evaluated: 2024-05-06. Review status: criteria provided, single submitter. Criteria: Invitae Variant Classification Sherloc (09022015). Collection method: clinical testing. Allele origin: germline.
Comment: This sequence change affects codon 1745 of the MPDZ mRNA. It is a 'silent' change, meaning that it does not change the encoded amino acid sequence of the MPDZ protein. This variant is present in population databases (rs750354781, gnomAD 0.05%). This variant has not been reported in the literature in individuals affected with MPDZ-related conditions. ClinVar contains an entry for this variant (Variation ID: 1980151). Algorithms developed to predict the effect of sequence changes on RNA splicing suggest that this variant may create or strengthen a splice site. In summary, the available evidence is currently insufficient to determine the role of this variant in disease. Therefore, it has been classified as a Variant of Uncertain Significance.

NM_001378778.1(MPDZ):c.5235C>T (p.Asn1745=)

Gene: MPDZ (multiple PDZ domain crumbs cell polarity complex component; minus strand). Cytogenetic location: 9p23.
Variant type: single nucleotide variant.
Coding change: c.5235C>T on transcript NM_001378778.1 (MANE Select); coding-DNA position 5235, C replaced by T.
Protein change: p.Asn1745=; no amino-acid change (asparagine 1745 retained).
Molecular consequence: synonymous variant.
Genome position (GRCh38, 1-based): chr9:13,119,646, G>A on the plus strand (C>T on the coding strand, the complement: MPDZ is on the minus strand). VCF-style: chr9-13119646-G-A. GRCh37 (hg19) VCF-style: chr9-13119645-G-A.
Other names: c.5136C>T, p.Asn1712= (NM_001261406.2, NM_001261407.2, NM_001375416.1 and 3 more transcripts); c.5235C>T, p.Asn1745= (NM_001330637.2, NM_003829.5); c.5334C>T, p.Asn1778= (NM_001375413.1); c.5025C>T, p.Asn1675= (NM_001375420.1, NM_001375421.1, NM_001375422.1 and 4 more transcripts); c.4827C>T, p.Asn1609= (NM_001375427.1).
Identifiers: ClinVar variation 1980151 (VCV001980151.4), dbSNP rs750354781, ClinGen allele CA4986372.